The following is an entry in ClinVar:

ClinVar aggregate classification (germline): Uncertain significance. Review status: criteria provided, multiple submitters, no conflicts (2 of 4 stars). 3 submissions from 3 submitters: Uncertain significance (3). Last evaluated 2023-02-08.

Conditions:
Autosomal recessive nonsyndromic hearing loss 4 (DFNB4). Also called: FOXI1-Related Pendred Syndrome; KCNJ10-Related Pendred Syndrome; DEAFNESS, AUTOSOMAL RECESSIVE 4, WITH ENLARGED VESTIBULAR AQUEDUCT, DIGENIC; NEUROSENSORY NONSYNDROMIC RECESSIVE DEAFNESS 4; Nonsyndromic enlarged vestibular aqueduct (NSEVA); Deafness, autosomal recessive 4. Identifiers: Orphanet 90636, MedGen C3538946, MONDO:0010933, OMIM 600791.
Pendred syndrome (PDS). Also called: DEAFNESS WITH GOITER; THYROID DYSHORMONOGENESIS 2B; THYROID HORMONOGENESIS, GENETIC DEFECT IN, 2B; Pendred's syndrome; Pendred Syndrome (PDS); GOITER-DEAFNESS SYNDROME. Identifiers: Orphanet 705, MedGen C0271829, MONDO:0010134, OMIM 274600.

Submissions (3):

Mayo Clinic Laboratories, Mayo Clinic
Classification: Uncertain significance. Last evaluated: 2023-02-08. Review status: criteria provided, single submitter. Criteria: ACMG Guidelines, 2015. Collection method: clinical testing. Allele origin: germline. Observed: 1 variant allele.
Comment: PP3, PM1, PM2_supporting

Fulgent Genetics
Classification: Uncertain significance for Pendred syndrome; Autosomal recessive nonsyndromic hearing loss 4. Last evaluated: 2022-03-09. Review status: criteria provided, single submitter. Criteria: ACMG Guidelines, 2015. Collection method: clinical testing. Allele origin: unknown.

Women's Health and Genetics/Laboratory Corporation of America, LabCorp
Classification: Uncertain significance. Last evaluated: 2021-12-01. Review status: criteria provided, single submitter. Criteria: LabCorp Variant Classification Summary - May 2015. Collection method: clinical testing. Allele origin: germline.
Comment: Variant summary: SLC26A4 c.1286C>A (p.Ala429Glu) results in a non-conservative amino acid change located in the SLC26A/SulP transporter domain (IPR011547) of the encoded protein sequence. Three of five in-silico tools predict a damaging effect of the variant on protein function. The variant allele was found at a frequency of 2.4e-05 in 250856 control chromosomes, predominantly at a frequency of 0.00033 within the East Asian subpopulation in the gnomAD database. The available data on variant occurrences in the general population are insufficient to allow any conclusion about variant significance. c.1286C>A has been reported in the literature in Chinese individuals affected with hearing loss and Pendred Syndrome (e.g. Hunag_2011, Zhao_2014, Chen_2016, Chen_2018, Wen_2019, Luo_2021). Two of the studies reported the variant in compound heterozygosity with the pathogenic variant c.919-2A>G; one of these patients was affected with nonsyndromic enlargement of vestibular aqueduct (Zhao_2014), while the other patient was unaffected and had normal hearing and a normal CT scan of the temporal bone (Wen_2019). These reports do not provide unequivocal conclusions about association of the variant with Pendred Syndrome. To our knowledge, no experimental evidence demonstrating an impact on protein function has been reported. No clinical diagnostic laboratories have submitted clinical-significance assessments for this variant to ClinVar after 2014. Based on the evidence outlined above, the variant was classified as uncertain significance.

Literature cited by the submitters: PubMed 21961810 (cited by Mayo Clinic Laboratories, Mayo Clinic and Women's Health and Genetics/Laboratory Corporation of America, LabCorp); PubMed 27771369 (cited by Mayo Clinic Laboratories, Mayo Clinic); PubMed 30154845 (cited by Mayo Clinic Laboratories, Mayo Clinic and Women's Health and Genetics/Laboratory Corporation of America, LabCorp); PubMed 34539567 (cited by Mayo Clinic Laboratories, Mayo Clinic); PubMed 35276235 (cited by Mayo Clinic Laboratories, Mayo Clinic); PubMed 27610647 (cited by Women's Health and Genetics/Laboratory Corporation of America, LabCorp); PubMed 34161886 (cited by Women's Health and Genetics/Laboratory Corporation of America, LabCorp); PubMed 28941661 (cited by Women's Health and Genetics/Laboratory Corporation of America, LabCorp); PubMed 31656273 (cited by Women's Health and Genetics/Laboratory Corporation of America, LabCorp); PubMed 25372295 (cited by Women's Health and Genetics/Laboratory Corporation of America, LabCorp).

NM_000441.2(SLC26A4):c.1286C>A (p.Ala429Glu)

Gene: SLC26A4 (solute carrier family 26 member 4; plus strand). Cytogenetic location: 7q22.3.
Variant type: single nucleotide variant.
Coding change: c.1286C>A on transcript NM_000441.2 (MANE Select); coding-DNA position 1286, C replaced by A.
Protein change: p.Ala429Glu; replaces alanine 429 with glutamic acid.
Molecular consequence: missense variant.
Genome position (GRCh38, 1-based): chr7:107,694,425, C>A. VCF-style: chr7-107694425-C-A. GRCh37 (hg19) VCF-style: chr7-107334870-C-A.
Other names: p.Ala429Glu; short protein forms A429E.
Identifiers: ClinVar variation 1331489 (VCV001331489.3), dbSNP rs753269996, ClinGen allele CA4432769.
Genomic context (GRCh38, chr7:107,694,425, plus strand): 5'-AGGACGAATCCTTTTCATAGGAGGTGTGTGTCTTCCAGGTTGCTGGCATCATCTCTGCTG[C>A]GATTGTGATGATCGCCATTCTTGCCCTGGGGAAGCTTCTGGAACCCTTGCAGAAGGTATA-3'
Protein context (NP_000432.1, residues 419-439): KTQVAGIISA[Ala429Glu]IVMIAILALG